The following is an entry in ClinVar:

ClinVar aggregate classification (germline): Likely benign (1 of 4 stars; one submission).

Allele frequency attached by ClinVar (database versions not stated): 1000 Genomes Project 0.00260; 1000 Genomes Project 30x 0.00281; ESP Exome Variant Server 0.00315; gnomAD 0.00317; gnomAD exomes 0.00325; TOPMed 0.00328; ExAC 0.00442.
gnomAD v4.1: 5,269 of 1,614,124 alleles (0.33%); highest among the groups gnomAD compares: Middle Eastern, 1.5%; 16 homozygotes.

Submission:

CeGaT Center for Human Genetics Tuebingen
Classification: Likely benign. Last evaluated: 2023-04-01. Review status: criteria provided, single submitter. Criteria: CeGaT Center For Human Genetics Tuebingen Variant Classification Criteria Version 2. Collection method: clinical testing. Allele origin: germline. Affected: yes. Observed: 1 variant allele.
Comment: DNAH3: BS2

NM_001347886.2(DNAH3):c.5230A>T (p.Ile1744Phe)

Gene: DNAH3 (dynein axonemal heavy chain 3; minus strand). Cytogenetic location: 16p12.3.
Variant type: single nucleotide variant.
Coding change: c.5230A>T on transcript NM_001347886.2 (MANE Select); coding-DNA position 5230, A replaced by T.
Protein change: p.Ile1744Phe; replaces isoleucine 1744 with phenylalanine.
Molecular consequence: missense variant.
Genome position (GRCh38, 1-based): chr16:21,031,116, T>A on the plus strand (A>T on the coding strand, the complement: DNAH3 is on the minus strand). VCF-style: chr16-21031116-T-A. GRCh37 (hg19) VCF-style: chr16-21042438-T-A.
Other names: c.5368A>T, p.Ile1790Phe (NM_017539.2); short protein forms I1744F, I1790F.
Identifiers: ClinVar variation 2646297 (VCV002646297.24), dbSNP rs148202152, ClinGen allele CA7947463.